The following is an entry in ClinVar:

ClinVar aggregate classification (germline): Uncertain significance. Review status: criteria provided, multiple submitters, no conflicts (2 of 4 stars). 2 submissions from 2 submitters: Uncertain significance (2). Last evaluated 2024-03-28.

Conditions:
Inborn genetic diseases. Identifiers: MedGen C0950123, MeSH D030342.
Peroxisome biogenesis disorder 5A (Zellweger) (PBD5A). Identifiers: Orphanet 912, MedGen C3553940, MONDO:0013932, OMIM 614866.

Allele frequency attached by ClinVar (database versions not stated): TOPMed below 0.00001; gnomAD exomes 0.00001; ExAC 0.00002.
gnomAD v4.1: 15 of 1,613,410 alleles (0.00093%); highest among the groups gnomAD compares: Non-Finnish European, 0.0012%; no homozygotes.

Submissions (2):

Ambry Genetics
Classification: Uncertain significance for Inborn genetic diseases. Last evaluated: 2024-03-28. Review status: criteria provided, single submitter. Criteria: Ambry Variant Classification Scheme 2023. Collection method: clinical testing. Allele origin: germline.

Labcorp Genetics (formerly Invitae), Labcorp
Classification: Uncertain significance for Peroxisome biogenesis disorder 5A (Zellweger). Last evaluated: 2022-08-11. Review status: criteria provided, single submitter. Criteria: Invitae Variant Classification Sherloc (09022015). Collection method: clinical testing. Allele origin: germline.
Comment: This sequence change replaces leucine, which is neutral and non-polar, with proline, which is neutral and non-polar, at codon 48 of the PEX2 protein (p.Leu48Pro). This variant is present in population databases (rs764944484, gnomAD 0.005%). This variant has not been reported in the literature in individuals affected with PEX2-related conditions. Algorithms developed to predict the effect of missense changes on protein structure and function (SIFT, PolyPhen-2, Align-GVGD) all suggest that this variant is likely to be disruptive. In summary, the available evidence is currently insufficient to determine the role of this variant in disease. Therefore, it has been classified as a Variant of Uncertain Significance.

NM_000318.3(PEX2):c.143T>C (p.Leu48Pro)

Gene: PEX2 (peroxisomal biogenesis factor 2; minus strand). Cytogenetic location: 8q21.13.
Variant type: single nucleotide variant.
Coding change: c.143T>C on transcript NM_000318.3 (MANE Select); coding-DNA position 143, T replaced by C.
Protein change: p.Leu48Pro; replaces leucine 48 with proline.
Molecular consequence: missense variant.
Genome position (GRCh38, 1-based): chr8:76,984,036, A>G on the plus strand (T>C on the coding strand, the complement: PEX2 is on the minus strand). VCF-style: chr8-76984036-A-G. GRCh37 (hg19) VCF-style: chr8-77896272-A-G.
Other names: c.143T>C, p.Leu48Pro (NM_001079867.2, NM_001172086.2, NM_001172087.2); c.143T>C (NM_000318.2); short protein forms L48P.
Identifiers: ClinVar variation 2200104 (VCV002200104.2), dbSNP rs764944484, ClinGen allele CA4788764.